The following is an entry in ClinVar:

NM_001009999.3(KDM1A):c.214G>A (p.Gly72Arg)

Gene: KDM1A (lysine demethylase 1A; plus strand). Cytogenetic location: 1p36.12.
Variant type: single nucleotide variant.
Coding change: c.214G>A on transcript NM_001009999.3 (MANE Select); coding-DNA position 214, G replaced by A.
Protein change: p.Gly72Arg; replaces glycine 72 with arginine.
Molecular consequence: missense variant.
Genome position (GRCh38, 1-based): chr1:23,019,810, G>A. VCF-style: chr1-23019810-G-A. GRCh37 (hg19) VCF-style: chr1-23346303-G-A.
Other names: c.214G>A, p.Gly72Arg (NM_001363654.2, NM_001410762.1, NM_001410763.1 and 1 more transcripts); short protein forms G72R.
Identifiers: ClinVar variation 4781052 (VCV004781052.1).
Genomic context (GRCh38, chr1:23,019,810, plus strand): 5'-CCGGGGGCGGTGGGGGAGCGCACACCCCGCAAGAAAGAGCCTCCGCGGGCCTCGCCCCCC[G>A]GGGGCCTGGCGGAACCGCCGGGGTCCGCAGGGCCTCAGGCCGGCCCTACTGTCGTGCCTG-3'
Protein context (NP_001009999.1, residues 62-82): KKEPPRASPP[Gly72Arg]GLAEPPGSAG

ClinVar aggregate classification (germline): Uncertain significance (1 of 4 stars; one submission).

Submission:

Labcorp Genetics (formerly Invitae), Labcorp
Classification: Uncertain significance. Last evaluated: 2026-01-01. Review status: criteria provided, single submitter. Criteria: Invitae Variant Classification Sherloc (09022015). Collection method: clinical testing. Allele origin: germline.
Comment: This sequence change replaces glycine, which is neutral and non-polar, with arginine, which is basic and polar, at codon 72 of the KDM1A protein (p.Gly72Arg). This variant is not present in population databases (gnomAD no frequency). This variant has not been reported in the literature in individuals affected with KDM1A-related conditions. An algorithm developed to predict the effect of missense changes on protein structure and function (PolyPhen-2) suggests that this variant is likely to be disruptive. In summary, the available evidence is currently insufficient to determine the role of this variant in disease. Therefore, it has been classified as a Variant of Uncertain Significance.